The following is an entry in ClinVar:

ClinVar aggregate classification (germline): Uncertain significance (1 of 4 stars; one submission).

Submission:

Labcorp Genetics (formerly Invitae), Labcorp
Classification: Uncertain significance. Last evaluated: 2023-11-27. Review status: criteria provided, single submitter. Criteria: Invitae Variant Classification Sherloc (09022015). Collection method: clinical testing. Allele origin: germline.
Comment: This sequence change replaces histidine, which is basic and polar, with glutamine, which is neutral and polar, at codon 1003 of the HIVEP2 protein (p.His1003Gln). This variant is not present in population databases (gnomAD no frequency). This variant has not been reported in the literature in individuals affected with HIVEP2-related conditions. Advanced modeling of protein sequence and biophysical properties (such as structural, functional, and spatial information, amino acid conservation, physicochemical variation, residue mobility, and thermodynamic stability) performed at Invitae indicates that this missense variant is not expected to disrupt HIVEP2 protein function with a negative predictive value of 80%. In summary, the available evidence is currently insufficient to determine the role of this variant in disease. Therefore, it has been classified as a Variant of Uncertain Significance.

NM_006734.4(HIVEP2):c.3009T>G (p.His1003Gln)

Gene: HIVEP2 (HIVEP zinc finger 2; minus strand). Cytogenetic location: 6q24.2.
Variant type: single nucleotide variant.
Coding change: c.3009T>G on transcript NM_006734.4 (MANE Select); coding-DNA position 3009, T replaced by G.
Protein change: p.His1003Gln; replaces histidine 1003 with glutamine.
Molecular consequence: missense variant.
Genome position (GRCh38, 1-based): chr6:142,771,730, A>C on the plus strand (T>G on the coding strand, the complement: HIVEP2 is on the minus strand). VCF-style: chr6-142771730-A-C. GRCh37 (hg19) VCF-style: chr6-143092867-A-C.
Other names: short protein forms H1003Q.
Identifiers: ClinVar variation 2759267 (VCV002759267.3), dbSNP rs2482834792, ClinGen allele CA365907595.